The following is an entry in ClinVar:

NM_003545.4(H4C5):c.7G>C (p.Gly3Arg)

Gene: H4C5 (H4 clustered histone 5; plus strand). Cytogenetic location: 6p22.2.
Variant type: single nucleotide variant.
Coding change: c.7G>C on transcript NM_003545.4 (MANE Select); coding-DNA position 7, G replaced by C.
Protein change: p.Gly3Arg; replaces glycine 3 with arginine.
Molecular consequence: missense variant.
Genome position (GRCh38, 1-based): chr6:26,204,651, G>C. VCF-style: chr6-26204651-G-C. GRCh37 (hg19) VCF-style: chr6-26204879-G-C.
Other names: short protein forms G3R.
Identifiers: ClinVar variation 3355710 (VCV003355710.1).

ClinVar aggregate classification (germline): Uncertain significance (0 of 4 stars; one submission).

Conditions:
H4C5-related disorder. Also called: H4C5-related condition.

Submission:

PreventionGenetics, part of Exact Sciences
Classification: Uncertain significance for H4C5-related condition. Last evaluated: 2024-07-03. Review status: no assertion criteria provided. Collection method: clinical testing. Allele origin: germline.
Comment: The H4C5 c.7G>C variant is predicted to result in the amino acid substitution p.Gly3Arg. To our knowledge, this variant has not been reported in the literature or in a large population database, indicating this variant is rare. At this time, the clinical significance of this variant is uncertain due to the absence of conclusive functional and genetic evidence.